The following is an entry in ClinVar:

ClinVar aggregate classification (germline): Uncertain significance. Review status: criteria provided, multiple submitters, no conflicts (2 of 4 stars). 3 submissions from 3 submitters: Uncertain significance (3). Last evaluated 2025-10-02.

Conditions:
Duchenne muscular dystrophy (DMD). Also called: Duchenne Muscular Dystrophy (DMD); MUSCULAR DYSTROPHY, PSEUDOHYPERTROPHIC PROGRESSIVE, DUCHENNE TYPE. Identifiers: Orphanet 98896, MedGen C0013264, MONDO:0010679, OMIM 310200.

Allele frequency attached by ClinVar (database versions not stated): gnomAD exomes below 0.00001; gnomAD 0.00001; TOPMed 0.00001.
gnomAD v4.1: 4 of 1,206,287 alleles (0.00033%); highest among the groups gnomAD compares: African/African-American, 0.0053%; no homozygotes.

Submissions (3):

Labcorp Genetics (formerly Invitae), Labcorp
Classification: Uncertain significance for Duchenne muscular dystrophy. Last evaluated: 2025-10-02. Review status: criteria provided, single submitter. Criteria: Invitae Variant Classification Sherloc (09022015). Collection method: clinical testing. Allele origin: germline.
Comment: This sequence change replaces methionine, which is neutral and non-polar, with valine, which is neutral and non-polar, at codon 3292 of the DMD protein (p.Met3292Val). This variant is not present in population databases (gnomAD no frequency). This variant has not been reported in the literature in individuals affected with DMD-related conditions. ClinVar contains an entry for this variant (Variation ID: 284454). Invitae Evidence Modeling of protein sequence and biophysical properties (such as structural, functional, and spatial information, amino acid conservation, physicochemical variation, residue mobility, and thermodynamic stability) indicates that this missense variant is not expected to disrupt DMD protein function with a negative predictive value of 95%. In summary, the available evidence is currently insufficient to determine the role of this variant in disease. Therefore, it has been classified as a Variant of Uncertain Significance.

GeneDx
Classification: Uncertain significance. Last evaluated: 2025-02-25. Review status: criteria provided, single submitter. Criteria: GeneDx Variant Classification Process June 2021. Collection method: clinical testing. Allele origin: germline. Affected: yes.
Comment: In silico analysis supports that this missense variant has a deleterious effect on protein structure/function; Missense variant in a gene in which most reported pathogenic variants are truncating/loss of function; Has not been previously published as pathogenic or benign to our knowledge

Eurofins Ntd Llc (ga)
Classification: Uncertain significance. Last evaluated: 2017-07-31. Review status: criteria provided, single submitter. Criteria: EGL Classification Definitions 2015. Collection method: clinical testing. Allele origin: germline. Observed: 2 variant alleles, 2 heterozygotes.

NM_004006.3(DMD):c.9874A>G (p.Met3292Val)

Gene: DMD (dystrophin; minus strand). Cytogenetic location: Xp21.2.
Variant type: single nucleotide variant.
Coding change: c.9874A>G on transcript NM_004006.3 (MANE Select); coding-DNA position 9874, A replaced by G.
Protein change: p.Met3292Val; replaces methionine 3292 with valine.
Molecular consequence: missense variant.
Genome position (GRCh38, 1-based): chrX:31,182,838, T>C on the plus strand (A>G on the coding strand, the complement: DMD is on the minus strand). VCF-style: chrX-31182838-T-C. GRCh37 (hg19) VCF-style: chrX-31200955-T-C.
Other names: c.9874A>G (NM_004006.2); c.9850A>G, p.Met3284Val (NM_000109.4); c.9862A>G, p.Met3288Val (NM_004009.3); c.9505A>G, p.Met3169Val (NM_004010.3); c.5851A>G, p.Met1951Val (NM_004011.4); c.5842A>G, p.Met1948Val (NM_004012.4); c.2494A>G, p.Met832Val (NM_004013.3, NM_004020.4, NM_004021.3 and 2 more transcripts); c.1687A>G, p.Met563Val (NM_004014.3); and 1 more; short protein forms M3292V, M224V, M3169V, M1948V, M3284V, M563V, M1951V, M832V.
Identifiers: ClinVar variation 284454 (VCV000284454.10), dbSNP rs886042871, ClinGen allele CA10604796.